The following is an entry in ClinVar:

NM_000052.7(ATP7A):c.1003A>G (p.Ile335Val)

Gene: ATP7A (ATPase copper transporting alpha; plus strand). Cytogenetic location: Xq21.1.
Variant type: single nucleotide variant.
Coding change: c.1003A>G on transcript NM_000052.7 (MANE Select); coding-DNA position 1003, A replaced by G.
Protein change: p.Ile335Val; replaces isoleucine 335 with valine.
Molecular consequence: missense variant.
Genome position (GRCh38, 1-based): chrX:77,989,625, A>G. VCF-style: chrX-77989625-A-G. GRCh37 (hg19) VCF-style: chrX-77245121-A-G.
Other names: c.1003A>G, p.Ile335Val (NM_001282224.2); c.1003A>G (NM_000052.4); short protein forms I335V.
Identifiers: ClinVar variation 1956519 (VCV001956519.6), dbSNP rs1557231840, ClinGen allele CA413601602.

ClinVar aggregate classification (germline): Conflicting classifications of pathogenicity. Review status: criteria provided, conflicting classifications (1 of 4 stars). 2 submissions from 2 submitters: Uncertain significance (1); Likely benign (1). Last evaluated 2024-05-10.

Conditions:
Menkes kinky-hair syndrome (MNK). Also called: Classic Menkes Disease; Copper transport disease; Menkes Disease. Identifiers: Orphanet 565, MedGen C0022716, MONDO:0010651, OMIM 309400.
X-linked distal spinal muscular atrophy type 3. Also called: NEURONOPATHY, DISTAL HEREDITARY MOTOR, X-LINKED; NEUROPATHY, DISTAL HEREDITARY MOTOR, X-LINKED; ATP7A-Related Distal Motor Neuropathy; SPINAL MUSCULAR ATROPHY, DISTAL, X-LINKED RECESSIVE. Identifiers: Orphanet 139557, MedGen C1845359, MONDO:0010338, OMIM 300489.
Cutis laxa, X-linked (OHS). Also called: EDS IX; Occipital horn syndrome. Identifiers: Orphanet 198, MedGen C0268353, MONDO:0010572, OMIM 304150.

Allele frequency attached by ClinVar (database versions not stated): gnomAD exomes below 0.00001.
gnomAD v4.1: 2 of 1,211,968 alleles (0.00017%); highest among the groups gnomAD compares: Non-Finnish European, 0.00011%; no homozygotes.

Submissions (2):

GeneDx
Classification: Uncertain significance. Last evaluated: 2024-05-10. Review status: criteria provided, single submitter. Criteria: GeneDx Variant Classification Process June 2021. Collection method: clinical testing. Allele origin: germline. Affected: yes.
Comment: Has not been previously published as pathogenic or benign to our knowledge; Not observed at significant frequency in large population cohorts (gnomAD); In silico analysis supports that this missense variant does not alter protein structure/function

Labcorp Genetics (formerly Invitae), Labcorp
Classification: Likely benign for X-linked distal spinal muscular atrophy type 3; Cutis laxa, X-linked; Menkes kinky-hair syndrome. Last evaluated: 2023-06-29. Review status: criteria provided, single submitter. Criteria: Invitae Variant Classification Sherloc (09022015). Collection method: clinical testing. Allele origin: germline.